The following is an entry in ClinVar:

ClinVar aggregate classification (germline): Likely benign. Review status: criteria provided, single submitter (1 of 4 stars). 2 submissions from 2 submitters: Likely benign (1). 1 of the submissions does not count toward it. Last evaluated 2025-10-21.

Conditions:
GREB1L-related disorder. Also called: GREB1L-related condition.

Allele frequency attached by ClinVar (database versions not stated): gnomAD exomes 0.00002.
gnomAD v4.1: 31 of 1,550,214 alleles (0.002%); highest among the groups gnomAD compares: Admixed American, 0.061%; no homozygotes.

Submissions (2):

Labcorp Genetics (formerly Invitae), Labcorp
Classification: Likely benign. Last evaluated: 2025-10-21. Review status: criteria provided, single submitter. Criteria: Invitae Variant Classification Sherloc (09022015). Collection method: clinical testing. Allele origin: germline.

PreventionGenetics, part of Exact Sciences
Classification: Likely benign for GREB1L-related condition. Last evaluated: 2024-01-05. Review status: no assertion criteria provided. Collection method: clinical testing. Allele origin: germline. Not counted in ClinVar's aggregate classification.
Comment: This variant is classified as likely benign based on ACMG/AMP sequence variant interpretation guidelines (Richards et al. 2015 PMID: 25741868, with internal and published modifications).

NM_001142966.3(GREB1L):c.1662T>C (p.Tyr554=)

Genes: GREB1L (GREB1 like retinoic acid receptor coactivator; plus strand), GREB1L-AS1 (GREB1L antisense RNA 1; minus strand). Cytogenetic location: 18q11.1.
Variant type: single nucleotide variant.
Coding change: c.1662T>C on transcript NM_001142966.3 (MANE Select); coding-DNA position 1662, T replaced by C.
Protein change: p.Tyr554=; no amino-acid change (tyrosine 554 retained).
Molecular consequence: synonymous variant. On other transcripts: intron variant (1).
Genome position (GRCh38, 1-based): chr18:21,449,778, T>C. VCF-style: chr18-21449778-T-C. GRCh37 (hg19) VCF-style: chr18-19029739-T-C.
Other names: c.1791T>C, p.Tyr597= (NM_001410867.1); c.1394-1245T>C (NM_001410868.1).
Identifiers: ClinVar variation 3060010 (VCV003060010.3), dbSNP rs1462783728, ClinGen allele CA503518144.